The following is an entry in ClinVar:

ClinVar aggregate classification (germline): Pathogenic (1 of 4 stars; one submission).

Conditions:
Capillary malformation-arteriovenous malformation syndrome. Also called: Capillary malformation-arteriovenous malformation. Identifiers: Orphanet 137667, MedGen C1842180, MONDO:0012016.

Submission:

Labcorp Genetics (formerly Invitae), Labcorp
Classification: Pathogenic for Capillary malformation-arteriovenous malformation syndrome. Last evaluated: 2025-12-20. Review status: criteria provided, single submitter. Criteria: Invitae Variant Classification Sherloc (09022015). Collection method: clinical testing. Allele origin: germline.
Comment: This sequence change creates a premature translational stop signal (p.His762Argfs*10) in the RASA1 gene. It is expected to result in an absent or disrupted protein product. Loss-of-function variants in RASA1 are known to be pathogenic (PMID: 24038909). This variant is not present in population databases (gnomAD no frequency). This variant has not been reported in the literature in individuals affected with RASA1-related conditions. For these reasons, this variant has been classified as Pathogenic.

Literature cited by the submitters: PubMed 24038909.

NM_002890.3(RASA1):c.2285_2291del (p.His762fs)

Genes: CCNH (cyclin H; minus strand), RASA1 (RAS p21 protein activator 1; plus strand). Cytogenetic location: 5q14.3.
Variant type: Deletion.
Coding change: c.2285_2291del on transcript NM_002890.3 (MANE Select); coding-DNA positions 2285 to 2291, 7 bases deleted (ACGAAAA; older notation c.2285_2291delACGAAAA).
Protein change: p.His762fs; shifts the reading frame from histidine 762.
Molecular consequence: frameshift variant. On other transcripts: intron variant (1).
Genome position (GRCh38, 1-based): chr5:87,376,981-87,376,987, ACGAAAA deleted. VCF-style (leftmost placement, unchanged base first): chr5-87376980-CACGAAAA-C. GRCh37 (hg19) VCF-style: chr5-86672797-CACGAAAA-C.
Other names: c.1754_1760del, p.His585fs (NM_022650.3); c.933+18057_933+18063del (NM_001364075.2); short protein forms H585fs, H762fs.
Identifiers: ClinVar variation 4729623 (VCV004729623.1).